The following is an entry in ClinVar:

ClinVar aggregate classification (germline): Uncertain significance. Review status: criteria provided, multiple submitters, no conflicts (2 of 4 stars). 3 submissions from 3 submitters: Uncertain significance (3). Last evaluated 2025-03-19.

Conditions:
Juvenile polyposis syndrome (JPS). Identifiers: Orphanet 2929, MedGen C0345893, MONDO:0017380, OMIM 174900.
Hereditary cancer-predisposing syndrome. Also called: Hereditary Cancer Syndrome; Hereditary neoplastic syndrome; Neoplastic Syndromes, Hereditary; Tumor predisposition. Identifiers: Orphanet 140162, MedGen C0027672, MeSH D009386, MONDO:0015356.

Submissions (3):

Ambry Genetics
Classification: Uncertain significance for Hereditary cancer-predisposing syndrome. Last evaluated: 2025-03-19. Review status: criteria provided, single submitter. Criteria: Ambry Variant Classification Scheme 2023. Collection method: clinical testing. Allele origin: germline.
Comment: The p.I358V variant (also known as c.1072A>G), located in coding exon 8 of the BMPR1A gene, results from an A to G substitution at nucleotide position 1072. The isoleucine at codon 358 is replaced by valine, an amino acid with highly similar properties. This amino acid position is highly conserved in available vertebrate species. In addition, the in silico prediction for this alteration is inconclusive. Based on the available evidence, the clinical significance of this variant remains unclear.

Color Diagnostics, LLC DBA Color Health
Classification: Uncertain significance for Hereditary cancer-predisposing syndrome. Last evaluated: 2024-03-06. Review status: criteria provided, single submitter. Criteria: ACMG Guidelines, 2015. Collection method: clinical testing. Allele origin: germline.
Comment: This missense variant replaces isoleucine with valine at codon 358 of the BMPR1A protein. Computational prediction is inconclusive regarding the impact of this variant on protein structure and function (internally defined REVEL score threshold 0.5 < inconclusive < 0.7, PMID: 27666373). To our knowledge, functional studies have not been reported for this variant. This variant has not been reported in individuals affected with hereditary cancer in the literature. This variant has not been identified in the general population by the Genome Aggregation Database (gnomAD). The available evidence is insufficient to determine the role of this variant in disease conclusively. Therefore, this variant is classified as a Variant of Uncertain Significance.

Labcorp Genetics (formerly Invitae), Labcorp
Classification: Uncertain significance for Juvenile polyposis syndrome. Last evaluated: 2023-02-08. Review status: criteria provided, single submitter. Criteria: Invitae Variant Classification Sherloc (09022015). Collection method: clinical testing. Allele origin: germline.
Comment: Advanced modeling of protein sequence and biophysical properties (such as structural, functional, and spatial information, amino acid conservation, physicochemical variation, residue mobility, and thermodynamic stability) performed at Invitae indicates that this missense variant is not expected to disrupt BMPR1A protein function. In summary, the available evidence is currently insufficient to determine the role of this variant in disease. Therefore, it has been classified as a Variant of Uncertain Significance. This sequence change replaces isoleucine, which is neutral and non-polar, with valine, which is neutral and non-polar, at codon 358 of the BMPR1A protein (p.Ile358Val). This variant is not present in population databases (gnomAD no frequency). This variant has not been reported in the literature in individuals affected with BMPR1A-related conditions. ClinVar contains an entry for this variant (Variation ID: 1332116).

NM_004329.3(BMPR1A):c.1072A>G (p.Ile358Val)

Gene: BMPR1A (bone morphogenetic protein receptor type 1A; plus strand). Cytogenetic location: 10q23.2.
Variant type: single nucleotide variant.
Coding change: c.1072A>G on transcript NM_004329.3 (MANE Select); coding-DNA position 1072, A replaced by G.
Protein change: p.Ile358Val; replaces isoleucine 358 with valine.
Molecular consequence: missense variant.
Genome position (GRCh38, 1-based): chr10:86,919,375, A>G. VCF-style: chr10-86919375-A-G. GRCh37 (hg19) VCF-style: chr10-88679132-A-G.
Other names: short protein forms I358V.
Identifiers: ClinVar variation 1332116 (VCV001332116.13), dbSNP rs2133592838, ClinGen allele CA377460771.